The following is an entry in ClinVar:

ClinVar aggregate classification (germline): Uncertain significance (1 of 4 stars; one submission).

Submission:

Labcorp Genetics (formerly Invitae), Labcorp
Classification: Uncertain significance. Last evaluated: 2024-07-12. Review status: criteria provided, single submitter. Criteria: Invitae Variant Classification Sherloc (09022015). Collection method: clinical testing. Allele origin: germline.
Comment: This sequence change replaces isoleucine, which is neutral and non-polar, with valine, which is neutral and non-polar, at codon 376 of the SIAE protein (p.Ile376Val). This variant is not present in population databases (gnomAD no frequency). This variant has not been reported in the literature in individuals affected with SIAE-related conditions. An algorithm developed to predict the effect of missense changes on protein structure and function outputs the following: PolyPhen-2: "Benign". The valine amino acid residue is found in multiple mammalian species, which suggests that this missense change does not adversely affect protein function. In summary, the available evidence is currently insufficient to determine the role of this variant in disease. Therefore, it has been classified as a Variant of Uncertain Significance.

NM_170601.5(SIAE):c.1126A>G (p.Ile376Val)

Gene: SIAE (sialic acid acetylesterase; minus strand). Cytogenetic location: 11q24.2.
Variant type: single nucleotide variant.
Coding change: c.1126A>G on transcript NM_170601.5 (MANE Select); coding-DNA position 1126, A replaced by G.
Protein change: p.Ile376Val; replaces isoleucine 376 with valine.
Molecular consequence: missense variant.
Genome position (GRCh38, 1-based): chr11:124,638,736, T>C on the plus strand (A>G on the coding strand, the complement: SIAE is on the minus strand). VCF-style: chr11-124638736-T-C. GRCh37 (hg19) VCF-style: chr11-124508632-T-C.
Other names: c.1021A>G, p.Ile341Val (NM_001199922.2); short protein forms I376V, I341V.
Identifiers: ClinVar variation 3659327 (VCV003659327.2).